The following is an entry in ClinVar:

NM_004431.5(EPHA2):c.2161C>T (p.Arg721Trp)

Gene: EPHA2 (EPH receptor A2; minus strand). Cytogenetic location: 1p36.13.
Variant type: single nucleotide variant.
Coding change: c.2161C>T on transcript NM_004431.5 (MANE Select); coding-DNA position 2161, C replaced by T.
Protein change: p.Arg721Trp; replaces arginine 721 with tryptophan.
Molecular consequence: missense variant.
Genome position (GRCh38, 1-based): chr1:16,132,228, G>A on the plus strand (C>T on the coding strand, the complement: EPHA2 is on the minus strand). VCF-style: chr1-16132228-G-A. GRCh37 (hg19) VCF-style: chr1-16458723-G-A.
Other names: c.1999C>T, p.Arg667Trp (NM_001329090.2); c.2161C>T (NM_004431.4); short protein forms R667W, R721W.
Identifiers: ClinVar variation 4807267 (VCV004807267.2).

ClinVar aggregate classification (germline): Conflicting classifications of pathogenicity. Review status: criteria provided, conflicting classifications (1 of 4 stars). 2 submissions from 2 submitters: Uncertain significance (1); Likely benign (1). Last evaluated 2026-01-03.

Conditions:
EPHA2-related disorder. Also called: EPHA2-related condition.
Cataract 6 multiple types. Also called: CATARACT 6, POSTERIOR POLAR; CATARACT 6, CONGENITAL TOTAL; CATARACT, AGE-RELATED CORTICAL, 2. Identifiers: Orphanet 91492, MedGen C1861825, MONDO:0007288, OMIM 116600.

gnomAD v4.1: 50 of 1,614,028 alleles (0.0031%); highest among the groups gnomAD compares: Admixed American, 0.043%; no homozygotes.

Submissions (2):

Labcorp Genetics (formerly Invitae), Labcorp
Classification: Uncertain significance for Cataract 6 multiple types. Last evaluated: 2026-01-03. Review status: criteria provided, single submitter. Criteria: Invitae Variant Classification Sherloc (09022015). Collection method: clinical testing. Allele origin: germline.
Comment: This sequence change replaces arginine, which is basic and polar, with tryptophan, which is neutral and slightly polar, at codon 721 of the EPHA2 protein (p.Arg721Trp). This variant is present in population databases (rs376787040, gnomAD 0.06%). This variant has not been reported in the literature in individuals affected with EPHA2-related conditions. Invitae Evidence Modeling of protein sequence and biophysical properties (such as structural, functional, and spatial information, amino acid conservation, physicochemical variation, residue mobility, and thermodynamic stability) indicates that this missense variant is expected to disrupt EPHA2 protein function with a positive predictive value of 80%. In summary, the available evidence is currently insufficient to determine the role of this variant in disease. Therefore, it has been classified as a Variant of Uncertain Significance.

PreventionGenetics, part of Exact Sciences
Classification: Likely benign for EPHA2-related condition. Last evaluated: 2025-11-19. Review status: criteria provided, single submitter. Criteria: ACMG Guidelines, 2015. Collection method: clinical testing. Allele origin: germline.
Comment: This variant is classified as likely benign based on ACMG/AMP sequence variant interpretation guidelines (Richards et al. 2015 PMID: 25741868, with internal and published modifications).